The following is an entry in ClinVar:

NM_022168.4(IFIH1):c.614G>A (p.Ser205Asn)

Gene: IFIH1 (interferon induced with helicase C domain 1; minus strand). Cytogenetic location: 2q24.2.
Variant type: single nucleotide variant.
Coding change: c.614G>A on transcript NM_022168.4 (MANE Select); coding-DNA position 614, G replaced by A.
Protein change: p.Ser205Asn; replaces serine 205 with asparagine.
Molecular consequence: missense variant.
Genome position (GRCh38, 1-based): chr2:162,310,773, C>T on the plus strand (G>A on the coding strand, the complement: IFIH1 is on the minus strand). VCF-style: chr2-162310773-C-T. GRCh37 (hg19) VCF-style: chr2-163167283-C-T.
Other names: short protein forms S205N.
Identifiers: ClinVar variation 1969705 (VCV001969705.5), dbSNP rs1356633302, ClinGen allele CA349010512.

ClinVar aggregate classification (germline): Uncertain significance (1 of 4 stars; one submission).

Conditions:
Singleton-Merten syndrome 1 (SGMRT1). Also called: Widened medullary cavities of bone, aortic calcification, abnormal dentition, and muscular weakness; Syndrome of widened medullary cavities of the metacarpals and phalanges, aortic calcification and abnormal dentition. Identifiers: Orphanet 85191, MedGen C4225427, MONDO:0024535, OMIM 182250.
Aicardi-Goutieres syndrome 7 (AGS7). Identifiers: Orphanet 51, MedGen C3888244, MONDO:0014367, OMIM 615846.

Allele frequency attached by ClinVar (database versions not stated): gnomAD exomes 0.00002; TOPMed 0.00002; gnomAD 0.00003.
gnomAD v4.1: 37 of 1,613,302 alleles (0.0023%); highest among the groups gnomAD compares: Non-Finnish European, 0.0031%; no homozygotes.

Submission:

Labcorp Genetics (formerly Invitae), Labcorp
Classification: Uncertain significance for Aicardi-Goutieres syndrome 7; Singleton-Merten syndrome 1. Last evaluated: 2024-03-07. Review status: criteria provided, single submitter. Criteria: Invitae Variant Classification Sherloc (09022015). Collection method: clinical testing. Allele origin: germline.
Comment: This sequence change replaces serine, which is neutral and polar, with asparagine, which is neutral and polar, at codon 205 of the IFIH1 protein (p.Ser205Asn). The frequency data for this variant in the population databases is considered unreliable, as metrics indicate poor data quality at this position in the gnomAD database. This variant has not been reported in the literature in individuals affected with IFIH1-related conditions. ClinVar contains an entry for this variant (Variation ID: 1969705). Algorithms developed to predict the effect of missense changes on protein structure and function output the following: SIFT: "Not Available"; PolyPhen-2: "Benign"; Align-GVGD: "Not Available". The asparagine amino acid residue is found in multiple mammalian species, which suggests that this missense change does not adversely affect protein function. In summary, the available evidence is currently insufficient to determine the role of this variant in disease. Therefore, it has been classified as a Variant of Uncertain Significance.